The following is an entry in ClinVar:

ClinVar aggregate classification (germline): Uncertain significance (1 of 4 stars; one submission).

Submission:

GeneDx
Classification: Uncertain significance. Last evaluated: 2025-03-20. Review status: criteria provided, single submitter. Criteria: GeneDx Variant Classification Process June 2021. Collection method: clinical testing. Allele origin: germline. Affected: yes.
Comment: Not observed at significant frequency in large population cohorts (gnomAD); In silico analysis supports that this missense variant has a deleterious effect on protein structure/function; Has not been previously published as pathogenic or benign to our knowledge

NM_145166.4(ZBTB47):c.1595T>A (p.Met532Lys)

Gene: ZBTB47 (zinc finger and BTB domain containing 47; plus strand). Cytogenetic location: 3p22.1.
Variant type: single nucleotide variant.
Coding change: c.1595T>A on transcript NM_145166.4 (MANE Select); coding-DNA position 1595, T replaced by A.
Protein change: p.Met532Lys; replaces methionine 532 with lysine.
Molecular consequence: missense variant.
Genome position (GRCh38, 1-based): chr3:42,661,606, T>A. VCF-style: chr3-42661606-T-A. GRCh37 (hg19) VCF-style: chr3-42703098-T-A.
Other names: c.1679T>A, p.Met560Lys (NM_001410746.1); short protein forms M532K, M560K.
Identifiers: ClinVar variation 4086315 (VCV004086315.1).